The following is an entry in ClinVar:

ClinVar aggregate classification (germline): Uncertain significance (1 of 4 stars; one submission).

gnomAD v4.1: 1 of 1,613,906 alleles (0.000062%); highest among the groups gnomAD compares: Non-Finnish European, 0.000085%; no homozygotes.

Submission:

Labcorp Genetics (formerly Invitae), Labcorp
Classification: Uncertain significance. Last evaluated: 2025-11-04. Review status: criteria provided, single submitter. Criteria: Invitae Variant Classification Sherloc (09022015). Collection method: clinical testing. Allele origin: germline.
Comment: This sequence change replaces alanine, which is neutral and non-polar, with proline, which is neutral and non-polar, at codon 16 of the GINS1 protein (p.Ala16Pro). This variant is not present in population databases (gnomAD no frequency). This variant has not been reported in the literature in individuals affected with GINS1-related conditions. An algorithm developed to predict the effect of missense changes on protein structure and function (PolyPhen-2) suggests that this variant is likely to be disruptive. In summary, the available evidence is currently insufficient to determine the role of this variant in disease. Therefore, it has been classified as a Variant of Uncertain Significance.

NM_021067.5(GINS1):c.46G>C (p.Ala16Pro)

Genes: GINS1 (GINS complex subunit 1; plus strand), LOC130065587 (ATAC-STARR-seq lymphoblastoid active region 17669; plus strand). Cytogenetic location: 20p11.21.
Variant type: single nucleotide variant.
Coding change: c.46G>C on transcript NM_021067.5 (MANE Select); coding-DNA position 46, G replaced by C.
Protein change: p.Ala16Pro; replaces alanine 16 with proline.
Molecular consequence: missense variant. On other transcripts: non-coding transcript variant (1).
Genome position (GRCh38, 1-based): chr20:25,407,866, G>C. VCF-style: chr20-25407866-G-C. GRCh37 (hg19) VCF-style: chr20-25388502-G-C.
Other names: c.46G>C, p.Ala16Pro (NM_001410830.1, NM_001410831.1); short protein forms A16P.
Identifiers: ClinVar variation 4811077 (VCV004811077.1).